The following is an entry in ClinVar:

ClinVar aggregate classification (germline): Uncertain significance (1 of 4 stars; one submission).

Conditions:
Pyridoxine-dependent epilepsy (EPEO4). Also called: Pyridoxine-Dependent Seizures; EPILEPSY, EARLY-ONSET, 4, VITAMIN B6-DEPENDENT; PYRIDOXINE DEPENDENCY WITH SEIZURES; Pyridoxine-Dependent Epilepsy - ALDH7A1. Identifiers: Orphanet 3006, MedGen C1849508, MONDO:0009945, OMIM 266100. Disease mechanism: loss of function.

Submission:

Labcorp Genetics (formerly Invitae), Labcorp
Classification: Uncertain significance for Pyridoxine-dependent epilepsy. Last evaluated: 2026-01-08. Review status: criteria provided, single submitter. Criteria: Invitae Variant Classification Sherloc (09022015). Collection method: clinical testing. Allele origin: germline.
Comment: This sequence change replaces methionine, which is neutral and non-polar, with lysine, which is basic and polar, at codon 163 of the ALDH7A1 protein (p.Met163Lys). This variant is not present in population databases (gnomAD no frequency). This variant has not been reported in the literature in individuals affected with ALDH7A1-related conditions. Invitae Evidence Modeling of protein sequence and biophysical properties (such as structural, functional, and spatial information, amino acid conservation, physicochemical variation, residue mobility, and thermodynamic stability) has been performed for this missense variant. However, the output from this modeling did not meet the statistical confidence thresholds required to predict the impact of this variant on ALDH7A1 protein function. In summary, the available evidence is currently insufficient to determine the role of this variant in disease. Therefore, it has been classified as a Variant of Uncertain Significance.

NM_001182.5(ALDH7A1):c.488T>A (p.Met163Lys)

Gene: ALDH7A1 (aldehyde dehydrogenase 7 family member A1; minus strand). Cytogenetic location: 5q23.2.
Variant type: single nucleotide variant.
Coding change: c.488T>A on transcript NM_001182.5 (MANE Select); coding-DNA position 488, T replaced by A.
Protein change: p.Met163Lys; replaces methionine 163 with lysine.
Molecular consequence: missense variant.
Genome position (GRCh38, 1-based): chr5:126,582,880, A>T on the plus strand (T>A on the coding strand, the complement: ALDH7A1 is on the minus strand). VCF-style: chr5-126582880-A-T. GRCh37 (hg19) VCF-style: chr5-125918572-A-T.
Other names: c.404T>A, p.Met135Lys (NM_001201377.2); c.488T>A, p.Met163Lys (NM_001202404.2); short protein forms M135K, M163K.
Identifiers: ClinVar variation 4801536 (VCV004801536.1).
Genomic context (GRCh38, chr5:126,582,880, plus strand): 5'-AAAACTCAGCTTAACTAATTTCATTGCTTACTTTCAGAAGGCAAGATAGGTCCTCCAATC[A>T]TCCTTGATAAACCAACAGCATAGTCACAGATATCCACATACTCCTGAACTTCACCCACAC-3'
Protein context (NP_001173.2, residues 153-173): ICDYAVGLSR[Met163Lys]IGGPILPSER